The following is an entry in ClinVar:

ClinVar aggregate classification (germline): Benign (1 of 4 stars; one submission).

Submission:

Unidad de Genómica Garrahan, Hospital de Pediatría Garrahan
Classification: Benign. Last evaluated: 2024-07-31. Review status: criteria provided, single submitter. Criteria: ACMG Guidelines, 2015. Collection method: clinical testing. Allele origin: germline. Affected: no. Observed: 44 variant alleles.
Comment: This variant is classified as Benign based on local population frequency. This variant was detected in 47% of patients studied in a panel designed for Epileptic and Developmental Encephalopathy, Progressive Myoclonus Epilepsy and Abnormal Movements and Neurodegeneration with brain iron accumulation. Number of patients: 44. Only high quality variants are reported.

NC_000009.12:g.32925000G>T

Variant type: single nucleotide variant.
Genome position: GRCh38 VCF-style: chr9-32925000-G-T. GRCh37 (hg19) VCF-style: chr9-32924998-G-T.
Identifiers: ClinVar variation 3256809 (VCV003256809.2).